The following is an entry in ClinVar:

NM_198253.3(TERT):c.1073G>T (p.Arg358Leu)

Gene: TERT (telomerase reverse transcriptase; minus strand). Cytogenetic location: 5p15.33.
Variant type: single nucleotide variant.
Coding change: c.1073G>T on transcript NM_198253.3 (MANE Select); coding-DNA position 1073, G replaced by T.
Protein change: p.Arg358Leu; replaces arginine 358 with leucine.
Molecular consequence: missense variant. On other transcripts: non-coding transcript variant (2).
Genome position (GRCh38, 1-based): chr5:1,293,813, C>A on the plus strand (G>T on the coding strand, the complement: TERT is on the minus strand). VCF-style: chr5-1293813-C-A. GRCh37 (hg19) VCF-style: chr5-1293928-C-A.
Other names: c.1073G>T, p.Arg358Leu (NM_001193376.3, NM_003219.1); short protein forms R358L.
Identifiers: ClinVar variation 2928274 (VCV002928274.3), dbSNP rs200191524, ClinGen allele CA359055702.

ClinVar aggregate classification (germline): Uncertain significance (1 of 4 stars; one submission).

Conditions:
Dyskeratosis congenita, autosomal dominant 2. Identifiers: MedGen C3151443, MONDO:0013521, OMIM 613989.
Idiopathic Pulmonary Fibrosis. Also called: Idiopathic fibrosing alveolitis, chronic form; idiopathic fibrosing alveolitis. Identifiers: Orphanet 2032, MedGen C1800706, MeSH D054990, MONDO:0800504.

Submission:

Labcorp Genetics (formerly Invitae), Labcorp
Classification: Uncertain significance for Dyskeratosis congenita, autosomal dominant 2; Idiopathic Pulmonary Fibrosis. Last evaluated: 2023-03-22. Review status: criteria provided, single submitter. Criteria: Invitae Variant Classification Sherloc (09022015). Collection method: clinical testing. Allele origin: germline.
Comment: This variant is not present in population databases (gnomAD no frequency). This sequence change replaces arginine, which is basic and polar, with leucine, which is neutral and non-polar, at codon 358 of the TERT protein (p.Arg358Leu). This variant has not been reported in the literature in individuals affected with TERT-related conditions. Advanced modeling of protein sequence and biophysical properties (such as structural, functional, and spatial information, amino acid conservation, physicochemical variation, residue mobility, and thermodynamic stability) performed at Invitae indicates that this missense variant is expected to disrupt TERT protein function. In summary, the available evidence is currently insufficient to determine the role of this variant in disease. Therefore, it has been classified as a Variant of Uncertain Significance.